The following is an entry in ClinVar:

ClinVar aggregate classification (germline): Pathogenic. Review status: criteria provided, single submitter (1 of 4 stars). 2 submissions from 2 submitters: Pathogenic (1). 1 of the submissions does not count toward it. Last evaluated 2025-09-07.

Conditions:
Epilepsy, early-onset, vitamin B6-dependent. Also called: PLPBP Deficiency; EPILEPSY, EARLY-ONSET, 1, VITAMIN B6-DEPENDENT. Identifiers: MedGen C4310632, MONDO:0015005, OMIM 617290.

Allele frequency attached by ClinVar (database versions not stated): gnomAD exomes 0.00010; TOPMed 0.00022; ExAC 0.00003.
gnomAD v4.1: 74 of 1,614,076 alleles (0.0046%); highest among the groups gnomAD compares: Admixed American, 0.087%; no homozygotes.

Submissions (2):

Labcorp Genetics (formerly Invitae), Labcorp
Classification: Pathogenic. Last evaluated: 2025-09-07. Review status: criteria provided, single submitter. Criteria: Invitae Variant Classification Sherloc (09022015). Collection method: clinical testing. Allele origin: germline.
Comment: This sequence change affects a donor splice site in intron 2 of the PROSC gene. It is expected to disrupt RNA splicing. Variants that disrupt the donor or acceptor splice site typically lead to a loss of protein function (PMID: 16199547), and loss-of-function variants in PROSC are known to be pathogenic (PMID: 27912044). This variant is present in population databases (rs767795673, gnomAD 0.05%). Disruption of this splice site has been observed in individual(s) with clinical features of pyridoxine-dependent epilepsy and/or vitamin B6-dependent epilepsy (PMID: 27912044, 31741821). In at least one individual the data is consistent with being in trans (on the opposite chromosome) from a pathogenic variant. ClinVar contains an entry for this variant (Variation ID: 374854). Algorithms developed to predict the effect of sequence changes on RNA splicing suggest that this variant may disrupt the consensus splice site. For these reasons, this variant has been classified as Pathogenic.

OMIM
Classification: Pathogenic for EPILEPSY, EARLY-ONSET, 1, VITAMIN B6-DEPENDENT. Last evaluated: 2023-08-14. Review status: no assertion criteria provided. Collection method: literature only. Allele origin: germline. Not counted in ClinVar's aggregate classification.

Literature cited by the submitters: PubMed 16199547 (cited by Labcorp Genetics (formerly Invitae), Labcorp); PubMed 27912044 (cited by Labcorp Genetics (formerly Invitae), Labcorp and OMIM); PubMed 31741821 (cited by Labcorp Genetics (formerly Invitae), Labcorp).

NM_007198.4(PLPBP):c.207+1G>A

Gene: PLPBP (pyridoxal phosphate binding protein; plus strand). Cytogenetic location: 8p11.23.
Variant type: single nucleotide variant.
Coding change: c.207+1G>A on transcript NM_007198.4 (MANE Select); the canonical splice donor site of the intron after coding-DNA position 207, G replaced by A.
Molecular consequence: splice donor variant.
Genome position (GRCh38, 1-based): chr8:37,765,634, G>A. VCF-style: chr8-37765634-G-A. GRCh37 (hg19) VCF-style: chr8-37623152-G-A.
Other names: IVS2DS, G-A, +1; c.312+1G>A (NM_001349349.1); c.207+1G>A (NM_001349346.2, NM_001349347.2); c.51+1G>A (NM_001349348.2).
Identifiers: ClinVar variation 374854 (VCV000374854.12), dbSNP rs767795673, ClinGen allele CA4711153.